The following is an entry in ClinVar:

ClinVar aggregate classification (germline): Uncertain significance (1 of 4 stars; one submission).

Submission:

GeneDx
Classification: Uncertain significance. Last evaluated: 2017-06-05. Review status: criteria provided, single submitter. Criteria: GeneDx Variant Classification (06012015). Collection method: clinical testing. Allele origin: germline. Affected: yes.
Comment: The L1292F variant in the SCN3A gene has not been reported previously as a pathogenic variant, nor as a benign variant, to our knowledge. The L1292F variant is not observed in large population cohorts (Lek et al., 2016; 1000 Genomes Consortium et al., 2015; Exome Variant Server). The L1292F variant is a conservative amino acid substitution, which occurs at a position that is conserved across species. In silico analysis predicts this variant is probably damaging to the protein structure/function. We interpret L1292F as a variant of uncertain significance.

NM_006922.4(SCN3A):c.3874C>T (p.Leu1292Phe)

Gene: SCN3A (sodium voltage-gated channel alpha subunit 3; minus strand). Cytogenetic location: 2q24.3.
Variant type: single nucleotide variant.
Coding change: c.3874C>T on transcript NM_006922.4 (MANE Select); coding-DNA position 3874, C replaced by T.
Protein change: p.Leu1292Phe; replaces leucine 1292 with phenylalanine.
Molecular consequence: missense variant.
Genome position (GRCh38, 1-based): chr2:165,100,394, G>A on the plus strand (C>T on the coding strand, the complement: SCN3A is on the minus strand). VCF-style: chr2-165100394-G-A. GRCh37 (hg19) VCF-style: chr2-165956904-G-A.
Other names: c.3727C>T, p.Leu1243Phe (NM_001081676.2, NM_001081677.2); short protein forms L1292F, L1243F.
Identifiers: ClinVar variation 432345 (VCV000432345.2), dbSNP rs1553518639, ClinGen allele CA349028372.